The following is an entry in ClinVar:

ClinVar aggregate classification (germline): Likely benign (1 of 4 stars; one submission).

Allele frequency attached by ClinVar (database versions not stated): gnomAD 0.01337; TOPMed 0.01455; 1000 Genomes Project 0.01717; 1000 Genomes Project 30x 0.01827.
gnomAD v4.1: 2,017 of 152,316 alleles (1.3%); highest among the groups gnomAD compares: African/African-American, 4.5%; 38 homozygotes.

Submission:

GeneDx
Classification: Likely benign. Last evaluated: 2021-05-25. Review status: criteria provided, single submitter. Criteria: GeneDx Variant Classification Process June 2021. Collection method: clinical testing. Allele origin: germline. Affected: yes.
Comment: See Variant Classification Assertion Criteria.

NM_000370.3(TTPA):c.553-171A>G

Gene: TTPA (alpha tocopherol transfer protein; minus strand). Cytogenetic location: 8q12.3.
Variant type: single nucleotide variant.
Coding change: c.553-171A>G on transcript NM_000370.3 (MANE Select); 171 bases into the intron before coding-DNA position 553, A replaced by G.
Molecular consequence: intron variant.
Genome position (GRCh38, 1-based): chr8:63,064,487, T>C on the plus strand (A>G on the coding strand, the complement: TTPA is on the minus strand). VCF-style: chr8-63064487-T-C. GRCh37 (hg19) VCF-style: chr8-63977046-T-C.
Identifiers: ClinVar variation 1706895 (VCV001706895.2), dbSNP rs73684512, ClinGen allele CA178384160.
Genomic context (GRCh38, chr8:63,064,487, plus strand): 5'-TGTGATTTTATCTTCAAAATTATTTATTCCATCAGCACAAAAGCCTGGCTTACAGTTCAC[T>C]GTCACTAGATTAAGTAAAGATCTCTAAAAAGGTTTCTCCTTATAGATTTGGCAAAGTATT-3'